The following is an entry in ClinVar:

ClinVar aggregate classification (germline): Likely pathogenic (1 of 4 stars; one submission).

Conditions:
Pyridoxine-dependent epilepsy (EPEO4). Also called: Pyridoxine-Dependent Seizures; PYRIDOXINE DEPENDENCY WITH SEIZURES; EPILEPSY, EARLY-ONSET, 4, VITAMIN B6-DEPENDENT; Pyridoxine-Dependent Epilepsy - ALDH7A1. Identifiers: Orphanet 3006, MedGen C1849508, MONDO:0009945, OMIM 266100. Disease mechanism: loss of function.

Submission:

Neuberg Centre For Genomic Medicine, NCGM
Classification: Likely pathogenic for Pyridoxine-dependent epilepsy. Last evaluated: 2023-02-14. Review status: criteria provided, single submitter. Criteria: ACMG Guidelines, 2015. Collection method: clinical testing. Allele origin: germline. Inheritance: Autosomal recessive inheritance. Affected: yes.
Comment: The frame shift c.263_264del (p.Tyr88Ter) variant in ALDH7A1 gene has not been reported previously as a pathogenic variant nor as a benign variant, to our knowledge. The p.Tyr88Ter variant is novel (not in any individuals) in gnomAD Exomes and is novel (not in any individuals) in 1000 Genomes. This variant has not been reported to the ClinVar database. This variant is predicted to cause loss of normal protein function through protein truncation. Loss of function variants have been previously reported to be disease causing. For these reasons, this variant has been classified as Likely Pathogenic.

NM_001182.5(ALDH7A1):c.263_264del (p.Asp87_Tyr88insTer)

Gene: ALDH7A1 (aldehyde dehydrogenase 7 family member A1; minus strand). Cytogenetic location: 5q23.2.
Variant type: Deletion.
Coding change: c.263_264del on transcript NM_001182.5 (MANE Select); coding-DNA positions 263 to 264, 2 bases deleted (AT; older notation c.263_264delAT).
Protein change: p.Asp87_Tyr88insTer.
Molecular consequence: nonsense.
Genome position (GRCh38, 1-based): chr5:126,592,712-126,592,713, AT deleted on the plus strand (AT on the coding strand, the reverse complement: ALDH7A1 is on the minus strand); deleting any 2 consecutive bases within chr5:126,592,712-126,592,714 gives the same sequence; the c. name uses the placement nearest the transcript's 3' end. VCF-style (leftmost placement, unchanged base first): chr5-126592711-CAT-C. GRCh37 (hg19) VCF-style: chr5-125928403-CAT-C.
Other names: c.179_180del, p.Asp59_Tyr60insTer (NM_001201377.2); c.263_264del, p.Asp87_Tyr88insTer (NM_001202404.2).
Identifiers: ClinVar variation 2671774 (VCV002671774.1), dbSNP rs2480364218, ClinGen allele CA2675058158.
Genomic context (GRCh38, chr5:126,592,711, plus strand): 5'-AGGCCATACTTACATCTGCCCAGATTTTCCATGCTTCTCTTGCTTTCTTTACAGTTTCTT[CAT>C]AGTCTGCCACACTGGCCTAAATTAAGAATTAGGGGGACAGAAAGGGGGAAATAAAGAGAA-3'